The following is an entry in ClinVar:

ClinVar aggregate classification (germline): Uncertain significance (1 of 4 stars; one submission).

Conditions:
Hereditary cancer-predisposing syndrome. Also called: Hereditary neoplastic syndrome; Neoplastic Syndromes, Hereditary; Tumor predisposition; Hereditary Cancer Syndrome. Identifiers: Orphanet 140162, MedGen C0027672, MeSH D009386, MONDO:0015356.

Submission:

Ambry Genetics
Classification: Uncertain significance for Hereditary cancer-predisposing syndrome. Last evaluated: 2025-07-25. Review status: criteria provided, single submitter. Criteria: Ambry Variant Classification Scheme 2023. Collection method: clinical testing. Allele origin: germline.
Comment: The p.E2172Q variant (also known as c.6514G>C), located in coding exon 15 of the APC gene, results from a G to C substitution at nucleotide position 6514. The glutamic acid at codon 2172 is replaced by glutamine, an amino acid with highly similar properties. This amino acid position is conserved. In addition, in silico predictors for this gene do not accurately predict pathogenicity. Based on the available evidence, the clinical significance of this variant remains unclear.

NM_000038.6(APC):c.6514G>C (p.Glu2172Gln)

Gene: APC (APC regulator of Wnt signaling pathway; plus strand). Cytogenetic location: 5q22.2.
Variant type: single nucleotide variant.
Coding change: c.6514G>C on transcript NM_000038.6 (MANE Select); coding-DNA position 6514, G replaced by C.
Protein change: p.Glu2172Gln; replaces glutamic acid 2172 with glutamine.
Molecular consequence: missense variant. On other transcripts: non-coding transcript variant (2).
Genome position (GRCh38, 1-based): chr5:112,842,108, G>C. VCF-style: chr5-112842108-G-C. GRCh37 (hg19) VCF-style: chr5-112177805-G-C.
Other names: c.6514G>C, p.Glu2172Gln (NM_001127510.3, NM_001354895.2, NM_001407450.1); c.6460G>C, p.Glu2154Gln (NM_001127511.3); c.6568G>C, p.Glu2190Gln (NM_001354896.2, NM_001407447.1, NM_001407448.1 and 1 more transcripts); c.6544G>C, p.Glu2182Gln (NM_001354897.2); c.6439G>C, p.Glu2147Gln (NM_001354898.2); c.6430G>C, p.Glu2144Gln (NM_001354899.2); c.6391G>C, p.Glu2131Gln (NM_001354900.2); c.6337G>C, p.Glu2113Gln (NM_001354901.2, NM_001407453.1); and 11 more; short protein forms E2012Q, E2081Q, E2165Q, E1889Q, E2046Q, E2089Q, E2113Q, E2154Q.
Identifiers: ClinVar variation 4121078 (VCV004121078.1).